The following is an entry in ClinVar:

NM_000182.5(HADHA):c.675G>A (p.Leu225=)

Gene: HADHA (hydroxyacyl-CoA dehydrogenase trifunctional multienzyme complex subunit alpha; minus strand). Cytogenetic location: 2p23.3.
Variant type: single nucleotide variant.
Coding change: c.675G>A on transcript NM_000182.5 (MANE Select); coding-DNA position 675, G replaced by A.
Protein change: p.Leu225=; no amino-acid change (leucine 225 retained).
Molecular consequence: synonymous variant.
Genome position (GRCh38, 1-based): chr2:26,230,193, C>T on the plus strand (G>A on the coding strand, the complement: HADHA is on the minus strand). VCF-style: chr2-26230193-C-T. GRCh37 (hg19) VCF-style: chr2-26453061-C-T.
Identifiers: ClinVar variation 5040164 (VCV005040164.1).

ClinVar aggregate classification (germline): Likely benign (1 of 4 stars; one submission).

Submission:

CeGaT Center for Human Genetics Tuebingen
Classification: Likely benign. Last evaluated: 2026-07-01. Review status: criteria provided, single submitter. Criteria: CeGaT Center For Human Genetics Tuebingen Variant Classification Criteria Version 2. Collection method: clinical testing. Allele origin: germline. Affected: yes. Observed: 1 variant allele.
Comment: HADHA: PM2:Supporting, BP4, BP7